The following is an entry in ClinVar:

ClinVar aggregate classification (germline): Uncertain significance. Review status: criteria provided, multiple submitters, no conflicts (2 of 4 stars). 2 submissions from 2 submitters: Uncertain significance (2). Last evaluated 2025-05-18.

Conditions:
Atrial fibrillation, familial, 7 (ATFB7). Identifiers: MedGen C2677106, MONDO:0012828, OMIM 612240.

Allele frequency attached by ClinVar (database versions not stated): gnomAD exomes below 0.00001; ExAC 0.00001; gnomAD 0.00001.

Submissions (2):

Labcorp Genetics (formerly Invitae), Labcorp
Classification: Uncertain significance for Atrial fibrillation, familial, 7. Last evaluated: 2025-05-18. Review status: criteria provided, single submitter. Criteria: Invitae Variant Classification Sherloc (09022015). Collection method: clinical testing. Allele origin: germline.
Comment: This sequence change replaces valine, which is neutral and non-polar, with methionine, which is neutral and non-polar, at codon 362 of the KCNA5 protein (p.Val362Met). This variant is present in population databases (rs776815613, gnomAD 0.003%). This variant has not been reported in the literature in individuals affected with KCNA5-related conditions. ClinVar contains an entry for this variant (Variation ID: 1350088). Invitae Evidence Modeling of protein sequence and biophysical properties (such as structural, functional, and spatial information, amino acid conservation, physicochemical variation, residue mobility, and thermodynamic stability) indicates that this missense variant is not expected to disrupt KCNA5 protein function with a negative predictive value of 80%. In summary, the available evidence is currently insufficient to determine the role of this variant in disease. Therefore, it has been classified as a Variant of Uncertain Significance.

Fulgent Genetics
Classification: Uncertain significance for Atrial fibrillation, familial, 7. Last evaluated: 2021-09-28. Review status: criteria provided, single submitter. Criteria: ACMG Guidelines, 2015. Collection method: clinical testing. Allele origin: unknown.

NM_002234.4(KCNA5):c.1084G>A (p.Val362Met)

Gene: KCNA5 (potassium voltage-gated channel subfamily A member 5; plus strand). Cytogenetic location: 12p13.32.
Variant type: single nucleotide variant.
Coding change: c.1084G>A on transcript NM_002234.4 (MANE Select); coding-DNA position 1084, G replaced by A.
Protein change: p.Val362Met; replaces valine 362 with methionine.
Molecular consequence: missense variant.
Genome position (GRCh38, 1-based): chr12:5,045,231, G>A. VCF-style: chr12-5045231-G-A. GRCh37 (hg19) VCF-style: chr12-5154397-G-A.
Other names: short protein forms V362M.
Identifiers: ClinVar variation 1350088 (VCV001350088.9), dbSNP rs776815613, ClinGen allele CA6399800.